The following is an entry in ClinVar:

ClinVar aggregate classification (germline): Uncertain significance. Review status: criteria provided, multiple submitters, no conflicts (2 of 4 stars). 2 submissions from 2 submitters: Uncertain significance (2). Last evaluated 2024-03-06.

Conditions:
Cardiomyopathy (CMYO). Also called: Cardiomyopathies. Identifiers: Orphanet 167848, MedGen C0878544, MONDO:0004994, HP:0001638. Inheritance: Various modes of inheritance.
Arrhythmogenic right ventricular cardiomyopathy (ARVD). Also called: Arrhythmogenic cardiomyopathy; Cardiomyopathy, ARVC; Arrhythmogenic right ventricular dysplasia; Arrhythmogenic Right Ventricular Cardiomyopathy (ARVC). Identifiers: Orphanet 247, MedGen C0349788, MeSH D019571, MONDO:0016587. Disease mechanism: loss of function. Inheritance: Various modes of inheritance.

Allele frequency attached by ClinVar (database versions not stated): TOPMed below 0.00001; gnomAD exomes below 0.00001.
gnomAD v4.1: 3 of 1,614,208 alleles (0.00019%); highest among the groups gnomAD compares: South Asian, 0.0011%; no homozygotes.

Submissions (2):

Color Diagnostics, LLC DBA Color Health
Classification: Uncertain significance for Cardiomyopathy. Last evaluated: 2024-03-06. Review status: criteria provided, single submitter. Criteria: ACMG Guidelines, 2015. Collection method: clinical testing. Allele origin: germline.
Comment: This missense variant replaces valine with methionine at codon 1029 of the DSG2 protein. Computational prediction suggests that this variant may not impact protein structure and function (internally defined REVEL score threshold <= 0.5, PMID: 27666373). To our knowledge, functional studies have not been reported for this variant. This variant has not been reported in individuals affected with cardiovascular disorders in the literature. This variant has not been identified in the general population by the Genome Aggregation Database (gnomAD). The available evidence is insufficient to determine the role of this variant in disease conclusively. Therefore, this variant is classified as a Variant of Uncertain Significance.

All of Us Research Program, National Institutes of Health
Classification: Uncertain significance for Arrhythmogenic right ventricular cardiomyopathy. Last evaluated: 2023-08-28. Review status: criteria provided, single submitter. Criteria: ACMG Guidelines, 2015. Collection method: clinical testing. Allele origin: germline. Inheritance: Autosomal dominant inheritance. Observed: 1 variant allele, 1 heterozygote.
Comment: Variant of Uncertain Significance due to insufficient evidence: This missense variant is located in the cytoplasmic desmoglein repeat 6 of the DSG2 protein. Computational prediction tools and conservation analyses suggest that this variant may not impact the protein function. Computational splicing tools suggest that this variant may not impact RNA splicing. To our knowledge, functional assays have not been performed for this variant nor has this variant been reported in individuals affected with cardiovascular disorders in the literature. This variant is rare in the general population and has been identified in 0/277264 chromosomes by the Genome Aggregation Database (gnomAD). Available evidence is insufficient to determine the pathogenicity of this variant conclusively.

This study involves interpretation of variants in research participants for the purpose of population health screening. Participant phenotype was not available at the time of variant classification. Additional details can be found in publication PMID: 35346344, PMCID: PMC8962531

NM_001943.5(DSG2):c.3085G>A (p.Val1029Met)

Genes: DSG2 (desmoglein 2; plus strand), DSG2-AS1 (DSG2 antisense RNA 1; minus strand). Cytogenetic location: 18q12.1.
Variant type: single nucleotide variant.
Coding change: c.3085G>A on transcript NM_001943.5 (MANE Select); coding-DNA position 3085, G replaced by A.
Protein change: p.Val1029Met; replaces valine 1029 with methionine.
Molecular consequence: missense variant.
Genome position (GRCh38, 1-based): chr18:31,546,471, G>A. VCF-style: chr18-31546471-G-A. GRCh37 (hg19) VCF-style: chr18-29126434-G-A.
Other names: short protein forms V1029M.
Identifiers: ClinVar variation 629603 (VCV000629603.5), dbSNP rs1567935080, ClinGen allele CA402148337.
Genomic context (GRCh38, chr18:31,546,471, plus strand): 5'-CAAGATGTACCTTACGTCATGGTGAGGGAAAGAGAGAGCTTCCTTGCCCCCAGCTCAGGT[G>A]TGCAGCCTACTCTGGCCATGCCTAATATAGCAGTAGGACAGAATGTGACAGTGACAGAAA-3'
Protein context (NP_001934.2, residues 1019-1039): RESFLAPSSG[Val1029Met]QPTLAMPNIA